The following is an entry in ClinVar:

NM_022132.5(MCCC2):c.484C>A (p.Gln162Lys)

Gene: MCCC2 (methylcrotonyl-CoA carboxylase subunit 2; plus strand). Cytogenetic location: 5q13.2.
Variant type: single nucleotide variant.
Coding change: c.484C>A on transcript NM_022132.5 (MANE Select); coding-DNA position 484, C replaced by A.
Protein change: p.Gln162Lys; replaces glutamine 162 with lysine.
Molecular consequence: missense variant.
Genome position (GRCh38, 1-based): chr5:71,602,606, C>A. VCF-style: chr5-71602606-C-A. GRCh37 (hg19) VCF-style: chr5-70898433-C-A.
Other names: c.484C>A (NM_022132.4); c.484C>A, p.Gln162Lys (NM_001363147.1); short protein forms Q162K.
Identifiers: ClinVar variation 1385259 (VCV001385259.8), dbSNP rs944412136, ClinGen allele CA120025399.

ClinVar aggregate classification (germline): Uncertain significance. Review status: criteria provided, multiple submitters, no conflicts (2 of 4 stars). 2 submissions from 2 submitters: Uncertain significance (2). Last evaluated 2025-06-02.

Conditions:
Inborn genetic diseases. Identifiers: MedGen C0950123, MeSH D030342.
3-methylcrotonyl-CoA carboxylase 2 deficiency. Also called: METHYLCROTONYLGLYCINURIA, TYPE II; 3 alpha methylcrotonyl-CoA carboxylase 2 deficiency; 3 alpha methylcrotonylglycinuria 2; MCC 2 deficiency; Methylcrotonylglycinuria type 2. Identifiers: Orphanet 6, MedGen C1859499, MONDO:0008862, OMIM 210210.

Allele frequency attached by ClinVar (database versions not stated): gnomAD exomes below 0.00001 and 0.00001; TOPMed below 0.00001; gnomAD 0.00001.
gnomAD v4.1: 4 of 1,614,114 alleles (0.00025%); highest among the groups gnomAD compares: Admixed American, 0.0033%; no homozygotes.

Submissions (2):

Labcorp Genetics (formerly Invitae), Labcorp
Classification: Uncertain significance for 3-methylcrotonyl-CoA carboxylase 2 deficiency. Last evaluated: 2025-06-02. Review status: criteria provided, single submitter. Criteria: Invitae Variant Classification Sherloc (09022015). Collection method: clinical testing. Allele origin: germline.
Comment: This sequence change replaces glutamine, which is neutral and polar, with lysine, which is basic and polar, at codon 162 of the MCCC2 protein (p.Gln162Lys). This variant is present in population databases (no rsID available, gnomAD 0.003%). This variant has not been reported in the literature in individuals affected with MCCC2-related conditions. ClinVar contains an entry for this variant (Variation ID: 1385259). Invitae Evidence Modeling of protein sequence and biophysical properties (such as structural, functional, and spatial information, amino acid conservation, physicochemical variation, residue mobility, and thermodynamic stability) indicates that this missense variant is not expected to disrupt MCCC2 protein function with a negative predictive value of 80%. In summary, the available evidence is currently insufficient to determine the role of this variant in disease. Therefore, it has been classified as a Variant of Uncertain Significance.

Ambry Genetics
Classification: Uncertain significance for Inborn genetic diseases. Last evaluated: 2024-06-26. Review status: criteria provided, single submitter. Criteria: Ambry Variant Classification Scheme 2023. Collection method: clinical testing. Allele origin: germline.